The following is an entry in ClinVar:

NM_025215.6(PUS1):c.155G>T (p.Arg52Leu)

Genes: PUS1 (pseudouridine synthase 1; plus strand), LOC130009240 (ATAC-STARR-seq lymphoblastoid silent region 5107; plus strand). Cytogenetic location: 12q24.33.
Variant type: single nucleotide variant.
Coding change: c.155G>T on transcript NM_025215.6 (MANE Select); coding-DNA position 155, G replaced by T.
Protein change: p.Arg52Leu; replaces arginine 52 with leucine.
Molecular consequence: missense variant.
Genome position (GRCh38, 1-based): chr12:131,929,987, G>T. VCF-style: chr12-131929987-G-T. GRCh37 (hg19) VCF-style: chr12-132414532-G-T.
Other names: c.71G>T, p.Arg24Leu (NM_001002019.3, NM_001002020.3); short protein forms R24L, R52L.
Identifiers: ClinVar variation 2166622 (VCV002166622.4), dbSNP rs1461363494, ClinGen allele CA387297240.
Genomic context (GRCh38, chr12:131,929,987, plus strand): 5'-ACGCGGAGCCGCCGCCCGCCGGAGCCGCATGCCCCCAGGACCGGAGGTCCTGCAGCGGCC[G>T]GGCCGGGGGCGACCGCGTCTGGGAGGACGGAGAACATCCGGCGAAGAAGCTCAAGAGCGG-3'
Protein context (NP_079491.2, residues 42-62): CPQDRRSCSG[Arg52Leu]AGGDRVWEDG

ClinVar aggregate classification (germline): Uncertain significance (1 of 4 stars; one submission).

Submission:

Labcorp Genetics (formerly Invitae), Labcorp
Classification: Uncertain significance. Last evaluated: 2024-10-17. Review status: criteria provided, single submitter. Criteria: Invitae Variant Classification Sherloc (09022015). Collection method: clinical testing. Allele origin: germline.
Comment: This sequence change replaces arginine, which is basic and polar, with leucine, which is neutral and non-polar, at codon 52 of the PUS1 protein (p.Arg52Leu). This variant is not present in population databases (gnomAD no frequency). This variant has not been reported in the literature in individuals affected with PUS1-related conditions. ClinVar contains an entry for this variant (Variation ID: 2166622). Invitae Evidence Modeling of protein sequence and biophysical properties (such as structural, functional, and spatial information, amino acid conservation, physicochemical variation, residue mobility, and thermodynamic stability) indicates that this missense variant is not expected to disrupt PUS1 protein function with a negative predictive value of 80%. In summary, the available evidence is currently insufficient to determine the role of this variant in disease. Therefore, it has been classified as a Variant of Uncertain Significance.